The following is an entry in ClinVar:

ClinVar aggregate classification (germline): Pathogenic (1 of 4 stars; one submission).

Conditions:
Fanconi anemia (FA). Also called: Fanconi's anemia. Identifiers: Orphanet 84, MedGen C0015625, MeSH D005199, MONDO:0019391.

Submission:

Labcorp Genetics (formerly Invitae), Labcorp
Classification: Pathogenic for Fanconi anemia. Last evaluated: 2024-12-05. Review status: criteria provided, single submitter. Criteria: Invitae Variant Classification Sherloc (09022015). Collection method: clinical testing. Allele origin: germline.
Comment: This sequence change creates a premature translational stop signal (p.Glu7*) in the SLX4 gene. It is expected to result in an absent or disrupted protein product. Loss-of-function variants in SLX4 are known to be pathogenic (PMID: 21240277). This variant is not present in population databases (gnomAD no frequency). This variant has not been reported in the literature in individuals affected with SLX4-related conditions. For these reasons, this variant has been classified as Pathogenic.

Literature cited by the submitters: PubMed 21240277.

NM_032444.4(SLX4):c.19G>T (p.Glu7Ter)

Gene: SLX4 (SLX4 structure-specific endonuclease subunit; minus strand). Cytogenetic location: 16p13.3.
Variant type: single nucleotide variant.
Coding change: c.19G>T on transcript NM_032444.4 (MANE Select); coding-DNA position 19, G replaced by T.
Protein change: p.Glu7Ter; replaces glutamic acid 7 with a stop codon.
Molecular consequence: nonsense.
Genome position (GRCh38, 1-based): chr16:3,608,946, C>A on the plus strand (G>T on the coding strand, the complement: SLX4 is on the minus strand). VCF-style: chr16-3608946-C-A. GRCh37 (hg19) VCF-style: chr16-3658947-C-A.
Other names: short protein forms E7*.
Identifiers: ClinVar variation 3626272 (VCV003626272.2).